The following is an entry in ClinVar:

ClinVar aggregate classification (germline): Uncertain significance. Review status: criteria provided, multiple submitters, no conflicts (2 of 4 stars). 2 submissions from 2 submitters: Uncertain significance (2). Last evaluated 2025-10-07.

Conditions:
Hereditary cancer-predisposing syndrome. Also called: Neoplastic Syndromes, Hereditary; Tumor predisposition; Hereditary Cancer Syndrome; Hereditary neoplastic syndrome. Identifiers: Orphanet 140162, MedGen C0027672, MeSH D009386, MONDO:0015356.
Rhabdoid tumor predisposition syndrome 2 (RTPS2). Identifiers: Orphanet 231108, Orphanet 69077, MedGen C2750074, MONDO:0013224, OMIM 613325.

Submissions (2):

Ambry Genetics
Classification: Uncertain significance for Hereditary cancer-predisposing syndrome. Last evaluated: 2025-10-07. Review status: criteria provided, single submitter. Criteria: Ambry Variant Classification Scheme 2023. Collection method: clinical testing. Allele origin: germline.
Comment: The p.A633T variant (also known as c.1897G>A), located in coding exon 11 of the SMARCA4 gene, results from a G to A substitution at nucleotide position 1897. The alanine at codon 633 is replaced by threonine, an amino acid with similar properties. This amino acid position is conserved. In addition, the in silico prediction for this alteration is inconclusive. Based on the available evidence, the clinical significance of this variant remains unclear.

Labcorp Genetics (formerly Invitae), Labcorp
Classification: Uncertain significance for Rhabdoid tumor predisposition syndrome 2. Last evaluated: 2019-08-21. Review status: criteria provided, single submitter. Criteria: Invitae Variant Classification Sherloc (09022015). Collection method: clinical testing. Allele origin: germline.
Comment: In summary, the available evidence is currently insufficient to determine the role of this variant in disease. Therefore, it has been classified as a Variant of Uncertain Significance. Algorithms developed to predict the effect of missense changes on protein structure and function (SIFT, PolyPhen-2, Align-GVGD) all suggest that this variant is likely to be disruptive, but these predictions have not been confirmed by published functional studies and their clinical significance is uncertain. This variant has not been reported in the literature in individuals with SMARCA4-related disease. This variant is not present in population databases (ExAC no frequency). This sequence change replaces alanine with threonine at codon 633 of the SMARCA4 protein (p.Ala633Thr). The alanine residue is highly conserved and there is a small physicochemical difference between alanine and threonine.

NM_003072.5(SMARCA4):c.1897G>A (p.Ala633Thr)

Gene: SMARCA4 (SWI/SNF related BAF chromatin remodeling complex subunit ATPase 4; plus strand). Cytogenetic location: 19p13.2.
Variant type: single nucleotide variant.
Coding change: c.1897G>A on transcript NM_003072.5 (MANE Select); coding-DNA position 1897, G replaced by A.
Protein change: p.Ala633Thr; replaces alanine 633 with threonine.
Molecular consequence: missense variant. On other transcripts: non-coding transcript variant (1).
Genome position (GRCh38, 1-based): chr19:11,003,113, G>A. VCF-style: chr19-11003113-G-A. GRCh37 (hg19) VCF-style: chr19-11113789-G-A.
Other names: c.1897G>A, p.Ala633Thr (NM_001128844.3, NM_001128845.2, NM_001128846.2 and 5 more transcripts); short protein forms A633T.
Identifiers: ClinVar variation 652133 (VCV000652133.11), dbSNP rs1555768376, ClinGen allele CA404051627.